The following is an entry in ClinVar:

NM_000257.4(MYH7):c.3019C>G (p.Leu1007Val)

Gene: MYH7 (myosin heavy chain 7; minus strand). Cytogenetic location: 14q11.2.
Variant type: single nucleotide variant.
Coding change: c.3019C>G on transcript NM_000257.4 (MANE Select); coding-DNA position 3019, C replaced by G.
Protein change: p.Leu1007Val; replaces leucine 1007 with valine.
Molecular consequence: missense variant.
Genome position (GRCh38, 1-based): chr14:23,423,627, G>C on the plus strand (C>G on the coding strand, the complement: MYH7 is on the minus strand). VCF-style: chr14-23423627-G-C. GRCh37 (hg19) VCF-style: chr14-23892836-G-C.
Other names: p.Leu1007Val; c.3019C>G (LRG_384t1); short protein forms L1007V.
Identifiers: ClinVar variation 432796 (VCV000432796.16), dbSNP rs1308445601, ClinGen allele CA389045880.

ClinVar aggregate classification (germline): Uncertain significance. Review status: criteria provided, multiple submitters, no conflicts (2 of 4 stars). 5 submissions from 5 submitters: Uncertain significance (5). Last evaluated 2024-06-17.

Conditions:
Cardiomyopathy (CMYO). Also called: Cardiomyopathies. Identifiers: Orphanet 167848, MedGen C0878544, MONDO:0004994, HP:0001638. Inheritance: Various modes of inheritance.
Hypertrophic cardiomyopathy. Also called: HYPERTROPHIC MYOCARDIOPATHY. Identifiers: Orphanet 217569, MedGen C0007194, MeSH D002312, MONDO:0005045, HP:0001639.

Allele frequency attached by ClinVar (database versions not stated): gnomAD exomes below 0.00001.
gnomAD v4.1: 2 of 1,614,134 alleles (0.00012%); highest among the groups gnomAD compares: Non-Finnish European, 0.00017%; no homozygotes.

Submissions (5):

Mayo Clinic Laboratories, Mayo Clinic
Classification: Uncertain significance. Last evaluated: 2024-06-17. Review status: criteria provided, single submitter. Criteria: ACMG Guidelines, 2015. Collection method: clinical testing. Allele origin: germline. Observed: 1 variant allele.
Comment: PP3, PM2

Labcorp Genetics (formerly Invitae), Labcorp
Classification: Uncertain significance for Hypertrophic cardiomyopathy. Last evaluated: 2024-04-06. Review status: criteria provided, single submitter. Criteria: Invitae Variant Classification Sherloc (09022015). Collection method: clinical testing. Allele origin: germline.
Comment: This sequence change replaces leucine, which is neutral and non-polar, with valine, which is neutral and non-polar, at codon 1007 of the MYH7 protein (p.Leu1007Val). This variant is present in population databases (no rsID available, gnomAD 0.0009%). This variant has not been reported in the literature in individuals affected with MYH7-related conditions. ClinVar contains an entry for this variant (Variation ID: 432796). Advanced modeling of protein sequence and biophysical properties (such as structural, functional, and spatial information, amino acid conservation, physicochemical variation, residue mobility, and thermodynamic stability) performed at Invitae indicates that this missense variant is expected to disrupt MYH7 protein function with a positive predictive value of 95%. In summary, the available evidence is currently insufficient to determine the role of this variant in disease. Therefore, it has been classified as a Variant of Uncertain Significance.

Revvity Omics, Revvity
Classification: Uncertain significance. Last evaluated: 2020-09-15. Review status: criteria provided, single submitter. Criteria: ACMG Guidelines, 2015. Collection method: clinical testing. Allele origin: germline.

Color Diagnostics, LLC DBA Color Health
Classification: Uncertain significance for Cardiomyopathy. Last evaluated: 2019-11-01. Review status: criteria provided, single submitter. Criteria: ACMG Guidelines, 2015. Collection method: clinical testing. Allele origin: germline.
Comment: This missense variant replaces leucine with valine at codon 1007 of the MYH7 protein. Computational prediction suggests that this variant may have deleterious impact on protein structure and function (internally defined REVEL score threshold >= 0.7, PMID: 27666373). Splice site prediction tools suggest that this variant may not impact RNA splicing. To our knowledge, functional studies have not been performed for this variant. This variant has not been reported in individuals affected with cardiovascular disorders in the literature. This variant has been identified in 1/251492 chromosomes in the general population by the Genome Aggregation Database (gnomAD). The available evidence is insufficient to determine the role of this variant in disease conclusively. Therefore, this variant is classified as a Variant of Uncertain Significance.

GeneDx
Classification: Uncertain significance. Last evaluated: 2017-06-28. Review status: criteria provided, single submitter. Criteria: GeneDx Variant Classification (06012015). Collection method: clinical testing. Allele origin: germline. Affected: yes.
Comment: A variant of uncertain significance has been identified in the MYH7 gene. The L1007V variant has not been published as a pathogenic variant, nor has it been reported as a benign variant to our knowledge. The L1007V variant is not observed in large population cohorts (Lek et al., 2016; 1000 Genomes Consortium et al., 2015; Exome Variant Server). This substitution occurs at a position that is conserved across species. However, the L1007V variant is a conservative amino acid substitution, which is not likely to impact secondary protein structure as these residues share similar properties. In silico analysis is inconsistent in its predictions as to whether or not the variant is damaging to the protein structure/function. Therefore, based on the currently available information, it is unclear whether this variant is a pathogenic variant or a rare benign variant.